The following is an entry in ClinVar:

ClinVar aggregate classification (germline): Benign/Likely benign. Review status: criteria provided, multiple submitters, no conflicts (2 of 4 stars). 4 submissions from 4 submitters: Benign (3); Likely benign (1). Last evaluated 2026-01-28.

Conditions:
Atrial conduction disease. Identifiers: Orphanet 436242, MedGen CN221670, MONDO:0014500.

Allele frequency attached by ClinVar (database versions not stated): gnomAD exomes 0.00022 and 0.00089; gnomAD 0.00030 and 0.00038; TOPMed 0.00057; ExAC 0.00088; 1000 Genomes Project 30x 0.00234; 1000 Genomes Project 0.00240.
gnomAD v4.1: 440 of 1,583,082 alleles (0.028%); highest among the groups gnomAD compares: East Asian, 0.8%; 5 homozygotes.

Submissions (4):

Labcorp Genetics (formerly Invitae), Labcorp
Classification: Benign. Last evaluated: 2026-01-28. Review status: criteria provided, single submitter. Criteria: Invitae Variant Classification Sherloc (09022015). Collection method: clinical testing. Allele origin: germline.

Mayo Clinic Laboratories, Mayo Clinic
Classification: Benign. Last evaluated: 2025-06-18. Review status: criteria provided, single submitter. Criteria: ACMG Guidelines, 2015. Collection method: clinical testing. Allele origin: germline. Observed: 1 variant allele.
Comment: BS1, BS2, BP4, BP7

Blueprint Genetics
Classification: Likely benign. Last evaluated: 2024-11-05. Review status: criteria provided, single submitter. Criteria: ACMG Guidelines, 2015. Collection method: clinical testing. Allele origin: germline.

ARUP Laboratories, Molecular Genetics and Genomics, ARUP Laboratories
Classification: Benign for Cardiac conduction disease with or without dilated cardiomyopathy 1. Last evaluated: 2024-07-25. Review status: criteria provided, single submitter. Criteria: ARUP Molecular Germline Variant Investigation Process 2024. Collection method: clinical testing. Allele origin: germline.

NM_015978.3(TNNI3K):c.1878+10T>C

Genes: FPGT-TNNI3K (FPGT-TNNI3K readthrough; plus strand), TNNI3K (TNNI3 interacting kinase; plus strand). Cytogenetic location: 1p31.1.
Variant type: single nucleotide variant.
Coding change: c.1878+10T>C on transcript NM_015978.3 (MANE Select); 10 bases into the intron after coding-DNA position 1878, T replaced by C.
Molecular consequence: intron variant.
Genome position (GRCh38, 1-based): chr1:74,436,536, T>C. VCF-style: chr1-74436536-T-C. GRCh37 (hg19) VCF-style: chr1-74902220-T-C.
Other names: p.?; c.2181+10T>C (NM_001112808.3, NM_001199327.2).
Identifiers: ClinVar variation 715434 (VCV000715434.12), dbSNP rs199892485, ClinGen allele CA909473.